The following is an entry in ClinVar:

ClinVar aggregate classification (germline): Uncertain significance (1 of 4 stars; one submission).

Conditions:
Dyskeratosis congenita, autosomal recessive 6 (DKCB6). Identifiers: MedGen C4225356, MONDO:0014600, OMIM 616353.
Pulmonary fibrosis and/or bone marrow failure, Telomere-related, 4. Also called: PULMONARY FIBROSIS AND/OR BONE MARROW FAILURE SYNDROME, TELOMERE-RELATED, 4. Identifiers: Orphanet 2032, MedGen C4225347, MONDO:0014612, OMIM 616371.

Submission:

Labcorp Genetics (formerly Invitae), Labcorp
Classification: Uncertain significance for Dyskeratosis congenita, autosomal recessive 6; Pulmonary fibrosis and/or bone marrow failure, Telomere-related, 4. Last evaluated: 2023-04-18. Review status: criteria provided, single submitter. Criteria: Invitae Variant Classification Sherloc (09022015). Collection method: clinical testing. Allele origin: germline.
Comment: In summary, the available evidence is currently insufficient to determine the role of this variant in disease. Therefore, it has been classified as a Variant of Uncertain Significance. An algorithm developed to predict the effect of missense changes on protein structure and function (PolyPhen-2) suggests that this variant is likely to be tolerated. This variant has not been reported in the literature in individuals affected with PARN-related conditions. This variant is not present in population databases (gnomAD no frequency). This sequence change replaces aspartic acid, which is acidic and polar, with glutamic acid, which is acidic and polar, at codon 637 of the PARN protein (p.Asp637Glu).

NM_002582.4(PARN):c.1911C>A (p.Asp637Glu)

Gene: PARN (poly(A)-specific ribonuclease; minus strand). Cytogenetic location: 16p13.12.
Variant type: single nucleotide variant.
Coding change: c.1911C>A on transcript NM_002582.4 (MANE Select); coding-DNA position 1911, C replaced by A.
Protein change: p.Asp637Glu; replaces aspartic acid 637 with glutamic acid.
Molecular consequence: missense variant.
Genome position (GRCh38, 1-based): chr16:14,436,726, G>T on the plus strand (C>A on the coding strand, the complement: PARN is on the minus strand). VCF-style: chr16-14436726-G-T. GRCh37 (hg19) VCF-style: chr16-14530583-G-T.
Other names: c.1728C>A, p.Asp576Glu (NM_001134477.3); c.1773C>A, p.Asp591Glu (NM_001242992.2); short protein forms D637E, D576E, D591E.
Identifiers: ClinVar variation 2930244 (VCV002930244.3), dbSNP rs1187086940, ClinGen allele CA395183179.